The following is an entry in ClinVar:

NM_002661.5(PLCG2):c.1492A>G (p.Ile498Val)

Gene: PLCG2 (phospholipase C gamma 2; plus strand). Cytogenetic location: 16q23.3.
Variant type: single nucleotide variant.
Coding change: c.1492A>G on transcript NM_002661.5 (MANE Select); coding-DNA position 1492, A replaced by G.
Protein change: p.Ile498Val; replaces isoleucine 498 with valine.
Molecular consequence: missense variant.
Genome position (GRCh38, 1-based): chr16:81,907,709, A>G. VCF-style: chr16-81907709-A-G. GRCh37 (hg19) VCF-style: chr16-81941314-A-G.
Other names: c.1492A>G, p.Ile498Val (NM_001425749.1, NM_001425750.1, NM_001425751.1); short protein forms I498V.
Identifiers: ClinVar variation 2803509 (VCV002803509.3), dbSNP rs1449583985, ClinGen allele CA396899885.

ClinVar aggregate classification (germline): Uncertain significance (1 of 4 stars; one submission).

Conditions:
Familial cold autoinflammatory syndrome 3 (FCAS3). Also called: FAMILIAL ATYPICAL COLD URTICARIA; ANTIBODY DEFICIENCY AND IMMUNE DYSREGULATION, PLCG2-ASSOCIATED. Identifiers: Orphanet 300359, MedGen C3280914, MONDO:0013766, OMIM 614468.

Allele frequency attached by ClinVar (database versions not stated): gnomAD exomes below 0.00001; TOPMed below 0.00001; gnomAD 0.00003.
gnomAD v4.1: 10 of 1,613,902 alleles (0.00062%); highest among the groups gnomAD compares: East Asian, 0.0022%; no homozygotes.

Submission:

Labcorp Genetics (formerly Invitae), Labcorp
Classification: Uncertain significance for Familial cold autoinflammatory syndrome 3. Last evaluated: 2024-02-24. Review status: criteria provided, single submitter. Criteria: Invitae Variant Classification Sherloc (09022015). Collection method: clinical testing. Allele origin: germline.
Comment: This sequence change replaces isoleucine, which is neutral and non-polar, with valine, which is neutral and non-polar, at codon 498 of the PLCG2 protein (p.Ile498Val). This variant is present in population databases (no rsID available, gnomAD 0.007%). This variant has not been reported in the literature in individuals affected with PLCG2-related conditions. Algorithms developed to predict the effect of missense changes on protein structure and function output the following: SIFT: "Not Available"; PolyPhen-2: "Benign"; Align-GVGD: "Not Available". The valine amino acid residue is found in multiple mammalian species, which suggests that this missense change does not adversely affect protein function. In summary, the available evidence is currently insufficient to determine the role of this variant in disease. Therefore, it has been classified as a Variant of Uncertain Significance.